The following is an entry in ClinVar:

ClinVar aggregate classification (germline): Likely benign. Review status: criteria provided, multiple submitters, no conflicts (2 of 4 stars). 3 submissions from 3 submitters: Likely benign (3). Last evaluated 2025-09-08.

Conditions:
Telangiectasia, hereditary hemorrhagic, type 5 (HHT5). Identifiers: Orphanet 774, MedGen C3809710, MONDO:0014217, OMIM 615506.

Allele frequency attached by ClinVar (database versions not stated): gnomAD exomes 0.00001 and 0.00009; gnomAD 0.00002 and 0.00004; TOPMed 0.00006; ExAC 0.00009.

Submissions (3):

Labcorp Genetics (formerly Invitae), Labcorp
Classification: Likely benign for Telangiectasia, hereditary hemorrhagic, type 5. Last evaluated: 2025-09-08. Review status: criteria provided, single submitter. Criteria: Invitae Variant Classification Sherloc (09022015). Collection method: clinical testing. Allele origin: germline.

Blueprint Genetics
Classification: Likely benign. Last evaluated: 2023-12-13. Review status: criteria provided, single submitter. Criteria: ACMG Guidelines, 2015. Collection method: clinical testing. Allele origin: germline.

NIHR Bioresource Rare Diseases, University of Cambridge
Classification: Likely benign for Telangiectasia, hereditary hemorrhagic, type 5. Last evaluated: 2018-01-01. Review status: criteria provided, single submitter. Criteria: ACMG Guidelines, 2015. Collection method: research. Allele origin: unknown. Affected: yes. Observed: 2 variant alleles.
Comment: BS1 + BP2

Literature cited by the submitters: PubMed 32573726 (cited by NIHR Bioresource Rare Diseases, University of Cambridge).

NM_016204.4(GDF2):c.326T>C (p.Val109Ala)

Gene: GDF2 (growth differentiation factor 2; plus strand). Cytogenetic location: 10q11.22.
Variant type: single nucleotide variant.
Coding change: c.326T>C on transcript NM_016204.4 (MANE Select); coding-DNA position 326, T replaced by C.
Protein change: p.Val109Ala; replaces valine 109 with alanine.
Molecular consequence: missense variant.
Genome position (GRCh38, 1-based): chr10:47,322,994, T>C. VCF-style: chr10-47322994-T-C. GRCh37 (hg19) VCF-style: chr10-48416368-A-G.
Other names: short protein forms V109A.
Identifiers: ClinVar variation 698205 (VCV000698205.12), dbSNP rs782118500, ClinGen allele CA5488162.